The following is an entry in ClinVar:

NM_001270508.2(TNFAIP3):c.881C>T (p.Pro294Leu)

Gene: TNFAIP3 (TNF alpha induced protein 3; plus strand). Cytogenetic location: 6q23.3.
Variant type: single nucleotide variant.
Coding change: c.881C>T on transcript NM_001270508.2 (MANE Select); coding-DNA position 881, C replaced by T.
Protein change: p.Pro294Leu; replaces proline 294 with leucine.
Molecular consequence: missense variant.
Genome position (GRCh38, 1-based): chr6:137,877,151, C>T. VCF-style: chr6-137877151-C-T. GRCh37 (hg19) VCF-style: chr6-138198288-C-T.
Other names: c.881C>T, p.Pro294Leu (NM_001270507.2, NM_006290.4); c.881C>T (NM_006290.2); short protein forms P294L.
Identifiers: ClinVar variation 995597 (VCV000995597.9), dbSNP rs756723486, ClinGen allele CA4019537.

ClinVar aggregate classification (germline): Uncertain significance. Review status: criteria provided, multiple submitters, no conflicts (2 of 4 stars). 2 submissions from 2 submitters: Uncertain significance (2). Last evaluated 2024-04-15.

Conditions:
Autoinflammatory syndrome, familial, Behcet-like. Identifiers: MedGen CN234876, MONDO:0031384.
Inborn genetic diseases. Identifiers: MedGen C0950123, MeSH D030342.

Allele frequency attached by ClinVar (database versions not stated): gnomAD exomes below 0.00001; ExAC 0.00001.
gnomAD v4.1: 5 of 1,613,770 alleles (0.00031%); highest among the groups gnomAD compares: Non-Finnish European, 0.00042%; no homozygotes.

Submissions (2):

Ambry Genetics
Classification: Uncertain significance for Inborn genetic diseases. Last evaluated: 2024-04-15. Review status: criteria provided, single submitter. Criteria: Ambry Variant Classification Scheme 2023. Collection method: clinical testing. Allele origin: germline.

ARUP Laboratories, Molecular Genetics and Genomics, ARUP Laboratories
Classification: Uncertain significance for Autoinflammatory syndrome, familial, Behcet-like 1. Last evaluated: 2019-11-05. Review status: criteria provided, single submitter. Criteria: ARUP Molecular Germline Variant Investigation Process. Collection method: clinical testing. Allele origin: germline.
Comment: The TNFAIP3 c.881C>T; p.Pro294Leu variant (rs756723486), to our knowledge, is not reported in the medical literature or gene-specific databases. This variant is only observed on one allele (1/251,208 alleles) in the Genome Aggregation Database, indicating it is not a common polymorphism. The proline at codon 294 is highly conserved, but computational analyses (SIFT, PolyPhen-2) predict that this variant is tolerated. Due to limited information, the clinical significance of the p.Pro294Leu variant is uncertain at this time.